The following is an entry in ClinVar:

ClinVar aggregate classification (germline): Uncertain significance (1 of 4 stars; one submission).

Conditions:
Primary ciliary dyskinesia. Also called: Ciliary dyskinesia. Identifiers: Orphanet 244, MedGen C0008780, MONDO:0016575, HP:0012265.

Allele frequency attached by ClinVar (database versions not stated): gnomAD exomes below 0.00001.
gnomAD v4.1: 2 of 1,614,080 alleles (0.00012%); highest among the groups gnomAD compares: Non-Finnish European, 0.000085%; no homozygotes.

Submission:

Labcorp Genetics (formerly Invitae), Labcorp
Classification: Uncertain significance for Primary ciliary dyskinesia. Last evaluated: 2024-10-22. Review status: criteria provided, single submitter. Criteria: Invitae Variant Classification Sherloc (09022015). Collection method: clinical testing. Allele origin: germline.
Comment: This sequence change replaces threonine, which is neutral and polar, with alanine, which is neutral and non-polar, at codon 4469 of the DNAH5 protein (p.Thr4469Ala). This variant is not present in population databases (gnomAD no frequency). This variant has not been reported in the literature in individuals affected with DNAH5-related conditions. Invitae Evidence Modeling of protein sequence and biophysical properties (such as structural, functional, and spatial information, amino acid conservation, physicochemical variation, residue mobility, and thermodynamic stability) indicates that this missense variant is not expected to disrupt DNAH5 protein function with a negative predictive value of 95%. In summary, the available evidence is currently insufficient to determine the role of this variant in disease. Therefore, it has been classified as a Variant of Uncertain Significance.

NM_001369.3(DNAH5):c.13405A>G (p.Thr4469Ala)

Gene: DNAH5 (dynein axonemal heavy chain 5; minus strand). Cytogenetic location: 5p15.2.
Variant type: single nucleotide variant.
Coding change: c.13405A>G on transcript NM_001369.3 (MANE Select); coding-DNA position 13405, A replaced by G.
Protein change: p.Thr4469Ala; replaces threonine 4469 with alanine.
Molecular consequence: missense variant.
Genome position (GRCh38, 1-based): chr5:13,701,370, T>C on the plus strand (A>G on the coding strand, the complement: DNAH5 is on the minus strand). VCF-style: chr5-13701370-T-C. GRCh37 (hg19) VCF-style: chr5-13701479-T-C.
Other names: short protein forms T4469A.
Identifiers: ClinVar variation 2919470 (VCV002919470.2), dbSNP rs2546469454, ClinGen allele CA359192974.